The following is an entry in ClinVar:

ClinVar aggregate classification (germline): Uncertain significance (1 of 4 stars; one submission).

Conditions:
Ataxia-telangiectasia syndrome (AT). Also called: Ataxia-telangiectasia, complementation group E; Ataxia-telangiectasia, complementation group D; AT, COMPLEMENTATION GROUP C; Ataxia-telangiectasia; LOUIS-BAR SYNDROME; Ataxia telangiectasia (A-T). Identifiers: Orphanet 100, MedGen C0004135, MONDO:0008840, OMIM 208900.

Submission:

Labcorp Genetics (formerly Invitae), Labcorp
Classification: Uncertain significance for Ataxia-telangiectasia syndrome. Last evaluated: 2023-10-22. Review status: criteria provided, single submitter. Criteria: Invitae Variant Classification Sherloc (09022015). Collection method: clinical testing. Allele origin: germline.
Comment: This sequence change replaces threonine, which is neutral and polar, with isoleucine, which is neutral and non-polar, at codon 878 of the ATM protein (p.Thr878Ile). This variant is not present in population databases (gnomAD no frequency). This variant has not been reported in the literature in individuals affected with ATM-related conditions. Algorithms developed to predict the effect of missense changes on protein structure and function output the following: SIFT: "Not Available"; PolyPhen-2: "Benign"; Align-GVGD: "Not Available". The isoleucine amino acid residue is found in multiple mammalian species, which suggests that this missense change does not adversely affect protein function. In summary, the available evidence is currently insufficient to determine the role of this variant in disease. Therefore, it has been classified as a Variant of Uncertain Significance.

NM_000051.4(ATM):c.2633C>T (p.Thr878Ile)

Gene: ATM (ATM serine/threonine kinase; plus strand). Cytogenetic location: 11q22.3.
Variant type: single nucleotide variant.
Coding change: c.2633C>T on transcript NM_000051.4 (MANE Select); coding-DNA position 2633, C replaced by T.
Protein change: p.Thr878Ile; replaces threonine 878 with isoleucine.
Molecular consequence: missense variant.
Genome position (GRCh38, 1-based): chr11:108,267,337, C>T. VCF-style: chr11-108267337-C-T. GRCh37 (hg19) VCF-style: chr11-108138064-C-T.
Other names: c.2633C>T, p.Thr878Ile (NM_001351834.2); short protein forms T878I.
Identifiers: ClinVar variation 3017044 (VCV003017044.3), dbSNP rs2497600128, ClinGen allele CA382544343.
Genomic context (GRCh38, chr11:108,267,337, plus strand): 5'-TTAACGATTACCCTGATAGTAGTGTTAGTGATGCAAACGAACCTGGAGAGAGCCAAAGTA[C>T]CATAGGTAAATACATATTTACTACTTGGGATTTCTTTTACTTCTTTATATTGATTTGGCA-3'
Protein context (NP_000042.3, residues 868-888): DANEPGESQS[Thr878Ile]IGAINPLAEE